The following is an entry in ClinVar:

NM_001042432.2(CLN3):c.460+2_460+3del

Gene: CLN3 (CLN3 lysosomal/endosomal transmembrane protein, battenin; minus strand). Cytogenetic location: 16p12.1.
Variant type: Deletion.
Coding change: c.460+2_460+3del on transcript NM_001042432.2 (MANE Select); the canonical splice donor site of the intron after coding-DNA position 460 through 3 bases into the intron after coding-DNA position 460, 2 bases deleted (TG; older notation c.460+2_460+3delTG).
Molecular consequence: splice donor variant.
Genome position (GRCh38, 1-based): chr16:28,487,453-28,487,454, CA deleted on the plus strand (TG on the coding strand, the reverse complement: CLN3 is on the minus strand); deleting any 2 consecutive bases within chr16:28,487,453-28,487,455 gives the same sequence; the c. name uses the placement nearest the transcript's 3' end. VCF-style (leftmost placement, unchanged base first): chr16-28487452-TCA-T. GRCh37 (hg19) VCF-style: chr16-28498773-TCA-T.
Other names: c.226+2_226+3del (NM_001286109.2); c.388+2_388+3del (NM_001286104.2); c.160+2_160+3del (NM_001286105.2); c.298+2_298+3del (NM_001286110.2); c.460+2_460+3del (NM_000086.2).
Identifiers: ClinVar variation 4817069 (VCV004817069.1).

ClinVar aggregate classification (germline): Likely pathogenic (1 of 4 stars; one submission).

Conditions:
Juvenile neuronal ceroid lipofuscinosis. Also called: Batten Disease. Identifiers: Orphanet 79264, MedGen CN293564, MONDO:0019262.

Submission:

Natera, Inc.
Classification: Likely pathogenic for Batten Disease. Last evaluated: 2024-12-16. Review status: criteria provided, single submitter. Criteria: Natera Variant Classification Schema (03/2026). Collection method: clinical testing. Allele origin: germline.
Comment: The c.460+2_460+3del variant in CLN3 is a canonical splice donor site variant predicted to affect pre-mRNA splicing, which may result in an abnormal transcript and altered protein product. This variant is expected to result in nonsense mediated decay, truncation, or a dysfunctional protein product. This variant is rare in the general population with a frequency below the threshold expected for the associated phenotype(s). Given the available evidence, this variant is classified as Likely Pathogenic.